The following is an entry in ClinVar:

NM_001352027.3(PHF21A):c.1288+6G>T

Gene: PHF21A (PHD finger protein 21A; minus strand). Cytogenetic location: 11p11.2.
Variant type: single nucleotide variant.
Coding change: c.1288+6G>T on transcript NM_001352027.3 (MANE Select); 6 bases into the intron after coding-DNA position 1288, G replaced by T.
Molecular consequence: intron variant.
Genome position (GRCh38, 1-based): chr11:45,948,880, C>A on the plus strand (G>T on the coding strand, the complement: PHF21A is on the minus strand). VCF-style: chr11-45948880-C-A. GRCh37 (hg19) VCF-style: chr11-45970431-C-A.
Other names: c.1285+6G>T (NM_001352030.3, NM_001441171.1, NM_001101802.3 and 2 more transcripts); c.1288+6G>T (NM_001352026.3, NM_016621.5, NM_001352025.3 and 3 more transcripts); c.1309+6G>T (NM_001441167.1, NM_001441168.1); c.1036+6G>T (NM_001441172.1); c.1306+6G>T (NM_001441169.1).
Identifiers: ClinVar variation 4704428 (VCV004704428.1).

ClinVar aggregate classification (germline): Uncertain significance (1 of 4 stars; one submission).

Submission:

Labcorp Genetics (formerly Invitae), Labcorp
Classification: Uncertain significance. Last evaluated: 2025-02-21. Review status: criteria provided, single submitter. Criteria: Invitae Variant Classification Sherloc (09022015). Collection method: clinical testing. Allele origin: germline.
Comment: This sequence change falls in intron 13 of the PHF21A gene. It does not directly change the encoded amino acid sequence of the PHF21A protein. It affects a nucleotide within the consensus splice site. This variant is not present in population databases (gnomAD no frequency). This variant has not been reported in the literature in individuals affected with PHF21A-related conditions. Variants that disrupt the consensus splice site are a relatively common cause of aberrant splicing (PMID: 17576681, 9536098). Algorithms developed to predict the effect of sequence changes on RNA splicing suggest that this variant is not likely to affect RNA splicing. In summary, the available evidence is currently insufficient to determine the role of this variant in disease. Therefore, it has been classified as a Variant of Uncertain Significance.

Literature cited by the submitters: PubMed 17576681; PubMed 9536098.